The following is an entry in ClinVar:

ClinVar aggregate classification (germline): Benign/Likely benign. Review status: criteria provided, multiple submitters, no conflicts (2 of 4 stars). 5 submissions from 5 submitters: Benign (1); Likely benign (4). Last evaluated 2026-03-01.

Allele frequency attached by ClinVar (database versions not stated): 1000 Genomes Project 30x 0.00078; 1000 Genomes Project 0.00100; ESP Exome Variant Server 0.00123; TOPMed 0.00153; gnomAD exomes 0.00157 and 0.00213; ExAC 0.00194; gnomAD 0.00207 and 0.00212.
gnomAD v4.1: 2,616 of 1,613,854 alleles (0.16%); highest among the groups gnomAD compares: Middle Eastern, 0.48%; 7 homozygotes.

Submissions (5):

CeGaT Center for Human Genetics Tuebingen
Classification: Likely benign. Last evaluated: 2026-03-01. Review status: criteria provided, single submitter. Criteria: CeGaT Center For Human Genetics Tuebingen Variant Classification Criteria Version 2. Collection method: clinical testing. Allele origin: germline. Affected: yes. Observed: 6 variant alleles.
Comment: ERBB3: BP4, BP7

Labcorp Genetics (formerly Invitae), Labcorp
Classification: Benign. Last evaluated: 2025-12-03. Review status: criteria provided, single submitter. Criteria: Invitae Variant Classification Sherloc (09022015). Collection method: clinical testing. Allele origin: germline.

Blueprint Genetics
Classification: Likely benign. Last evaluated: 2024-11-25. Review status: criteria provided, single submitter. Criteria: ACMG Guidelines, 2015. Collection method: clinical testing. Allele origin: germline.

Mayo Clinic Laboratories, Mayo Clinic
Classification: Likely benign. Last evaluated: 2021-08-02. Review status: criteria provided, single submitter. Criteria: ACMG Guidelines, 2015. Collection method: clinical testing. Allele origin: germline. Observed: 2 variant alleles.

Breakthrough Genomics
Classification: Likely benign. Review status: criteria provided, single submitter. Criteria: ACMG Guidelines, 2015. Collection method: not provided. Allele origin: germline. Inheritance: Autosomal recessive inheritance. Affected: yes.

NM_001982.4(ERBB3):c.1590G>C (p.Val530=)

Gene: ERBB3 (erb-b2 receptor tyrosine kinase 3; plus strand). Cytogenetic location: 12q13.2.
Variant type: single nucleotide variant.
Coding change: c.1590G>C on transcript NM_001982.4 (MANE Select); coding-DNA position 1590, G replaced by C.
Protein change: p.Val530=; no amino-acid change (valine 530 retained).
Molecular consequence: synonymous variant.
Genome position (GRCh38, 1-based): chr12:56,093,873, G>C. VCF-style: chr12-56093873-G-C. GRCh37 (hg19) VCF-style: chr12-56487657-G-C.
Other names: p.Val530=.
Identifiers: ClinVar variation 735649 (VCV000735649.49), dbSNP rs55880327, ClinGen allele CA6622328.